The following is an entry in ClinVar:

ClinVar aggregate classification (germline): Uncertain significance (1 of 4 stars; one submission).

Submission:

GeneDx
Classification: Uncertain significance. Last evaluated: 2025-12-05. Review status: criteria provided, single submitter. Criteria: GeneDx Variant Classification Process June 2021. Collection method: clinical testing. Allele origin: germline.
Comment: Not observed at significant frequency in large population cohorts (gnomAD); In silico analysis supports that this missense variant has a deleterious effect on protein structure/function; Has not been previously published as pathogenic or benign to our knowledge

NM_001375380.1(EBF3):c.433G>A (p.Asp145Asn)

Gene: EBF3 (EBF transcription factor 3; minus strand). Cytogenetic location: 10q26.3.
Variant type: single nucleotide variant.
Coding change: c.433G>A on transcript NM_001375380.1 (MANE Select); coding-DNA position 433, G replaced by A.
Protein change: p.Asp145Asn; replaces aspartic acid 145 with asparagine.
Molecular consequence: missense variant.
Genome position (GRCh38, 1-based): chr10:129,958,986, C>T on the plus strand (G>A on the coding strand, the complement: EBF3 is on the minus strand). VCF-style: chr10-129958986-C-T. GRCh37 (hg19) VCF-style: chr10-131757250-C-T.
Other names: c.433G>A, p.Asp145Asn (NM_001005463.3, NM_001375379.1, NM_001375389.1 and 3 more transcripts); short protein forms D145N.
Identifiers: ClinVar variation 3776636 (VCV003776636.2).